The following is an entry in ClinVar:

NM_003072.5(SMARCA4):c.4110C>T (p.Gly1370=)

Gene: SMARCA4 (SWI/SNF related BAF chromatin remodeling complex subunit ATPase 4; plus strand). Cytogenetic location: 19p13.2.
Variant type: single nucleotide variant.
Coding change: c.4110C>T on transcript NM_003072.5 (MANE Select); coding-DNA position 4110, C replaced by T.
Protein change: p.Gly1370=; no amino-acid change (glycine 1370 retained).
Molecular consequence: synonymous variant. On other transcripts: non-coding transcript variant (1).
Genome position (GRCh38, 1-based): chr19:11,035,072, C>T. VCF-style: chr19-11035072-C-T. GRCh37 (hg19) VCF-style: chr19-11145748-C-T.
Other names: c.4110C>T, p.Gly1370= (NM_001128844.3, NM_001128849.3, NM_001387283.1); c.4011C>T, p.Gly1337= (NM_001128845.2, NM_001128846.2, NM_001128847.4 and 2 more transcripts).
Identifiers: ClinVar variation 328036 (VCV000328036.22), dbSNP rs780735376, ClinGen allele CA10652196.

ClinVar aggregate classification (germline): Conflicting classifications of pathogenicity. Review status: criteria provided, conflicting classifications (1 of 4 stars). 4 submissions from 4 submitters: Uncertain significance (1); Benign (1); Likely benign (2). Last evaluated 2026-07-17.

Conditions:
Rhabdoid tumor predisposition syndrome 2 (RTPS2). Identifiers: Orphanet 231108, Orphanet 69077, MedGen C2750074, MONDO:0013224, OMIM 613325.
Intellectual disability, autosomal dominant 16 (CSS4). Also called: COFFIN-SIRIS SYNDROME 4. Identifiers: Orphanet 1465, MedGen C3553249, MONDO:0013821, OMIM 614609.
Hereditary cancer-predisposing syndrome. Also called: Tumor predisposition; Neoplastic Syndromes, Hereditary; Hereditary neoplastic syndrome; Hereditary Cancer Syndrome. Identifiers: Orphanet 140162, MedGen C0027672, MeSH D009386, MONDO:0015356.

Allele frequency attached by ClinVar (database versions not stated): TOPMed 0.00001; gnomAD exomes 0.00002; gnomAD 0.00001.
gnomAD v4.1: 32 of 1,612,768 alleles (0.002%); highest among the groups gnomAD compares: Non-Finnish European, 0.0027%; no homozygotes.

Submissions (4):

Myriad Genetics, Inc.
Classification: Benign for Rhabdoid tumor predisposition syndrome 2. Last evaluated: 2026-07-17. Review status: criteria provided, single submitter. Criteria: Myriad Autosomal Dominant, Autosomal Recessive and X-Linked Classification Criteria (2023). Collection method: clinical testing. Allele origin: unknown.
Comment: This variant is considered benign. This variant is a silent/synonymous amino acid change and it is not expected to impact splicing.

Labcorp Genetics (formerly Invitae), Labcorp
Classification: Likely benign for Rhabdoid tumor predisposition syndrome 2. Last evaluated: 2025-11-16. Review status: criteria provided, single submitter. Criteria: Invitae Variant Classification Sherloc (09022015). Collection method: clinical testing. Allele origin: germline.

Genome-Nilou Lab
Classification: Uncertain significance for Intellectual disability, autosomal dominant 16. Last evaluated: 2021-07-15. Review status: criteria provided, single submitter. Criteria: ACMG Guidelines, 2015. Collection method: clinical testing. Allele origin: germline. Affected: no.

Ambry Genetics
Classification: Likely benign for Hereditary cancer-predisposing syndrome. Last evaluated: 2015-09-09. Review status: criteria provided, single submitter. Criteria: Ambry Variant Classification Scheme 2023. Collection method: clinical testing. Allele origin: germline.